The following is an entry in ClinVar:

ClinVar aggregate classification (germline): Conflicting classifications of pathogenicity. Review status: criteria provided, conflicting classifications (1 of 4 stars). 3 submissions from 3 submitters: Uncertain significance (2); Likely benign (1). Last evaluated 2025-03-16.

Conditions:
Catecholaminergic polymorphic ventricular tachycardia (CVPT). Also called: Catecholamine-induced polymorphic ventricular tachycardia. Identifiers: Orphanet 3286, MedGen C5574922, MONDO:0017990.
Catecholaminergic polymorphic ventricular tachycardia 1. Also called: VENTRICULAR TACHYCARDIA, CATECHOLAMINERGIC POLYMORPHIC, 1, WITH OR WITHOUT ATRIAL DYSFUNCTION AND/OR DILATED CARDIOMYOPATHY; VENTRICULAR TACHYCARDIA, STRESS-INDUCED POLYMORPHIC 1; RYR2-Related Catecholaminergic Polymorphic Ventricular Tachycardia. Identifiers: Orphanet 3286, MedGen C1631597, MONDO:0011484, OMIM 604772.

Allele frequency attached by ClinVar (database versions not stated): gnomAD exomes 0.00001.
gnomAD v4.1: 11 of 1,218,650 alleles (0.0009%); highest among the groups gnomAD compares: Non-Finnish European, 0.0013%; no homozygotes.

Submissions (3):

Labcorp Genetics (formerly Invitae), Labcorp
Classification: Likely benign for Catecholaminergic polymorphic ventricular tachycardia 1. Last evaluated: 2025-03-16. Review status: criteria provided, single submitter. Criteria: Invitae Variant Classification Sherloc (09022015). Collection method: clinical testing. Allele origin: germline.

All of Us Research Program, National Institutes of Health
Classification: Uncertain significance for Catecholaminergic polymorphic ventricular tachycardia. Last evaluated: 2023-04-03. Review status: criteria provided, single submitter. Criteria: ACMG Guidelines, 2015. Collection method: clinical testing. Allele origin: germline. Inheritance: Autosomal dominant inheritance. Observed: 1 variant allele, 1 heterozygote.
Comment: This variant causes a T to A nucleotide substitution at the -15 position of intron 17 of the RYR2 gene. To our knowledge, functional studies have not been reported for this variant. This variant has not been reported in individuals affected with RYR2-related disorders in the literature. This variant has not been identified in the general population by the Genome Aggregation Database (gnomAD). The available evidence is insufficient to determine the role of this variant in disease conclusively. Therefore, this variant is classified as a Variant of Uncertain Significance.

This study involves interpretation of variants in research participants for the purpose of population health screening. Participant phenotype was not available at the time of variant classification. Additional details can be found in publication PMID: 35346344, PMCID: PMC8962531

Centre for Mendelian Genomics, University Medical Centre Ljubljana
Classification: Uncertain significance for Catecholaminergic polymorphic ventricular tachycardia 1. Last evaluated: 2019-10-03. Review status: criteria provided, single submitter. Criteria: ACMG Guidelines, 2015. Collection method: clinical testing. Allele origin: unknown. Affected: yes.
Comment: This variant was classified as: Uncertain significance. The available evidence on this variant's pathogenicity is insufficient or conflicting. The following ACMG criteria were applied in classifying this variant: PM2,BP4.

NM_001035.3(RYR2):c.1709-15T>A

Gene: RYR2 (ryanodine receptor 2; plus strand). Cytogenetic location: 1q43.
Variant type: single nucleotide variant.
Coding change: c.1709-15T>A on transcript NM_001035.3 (MANE Select); 15 bases into the intron before coding-DNA position 1709, T replaced by A.
Molecular consequence: intron variant.
Genome position (GRCh38, 1-based): chr1:237,491,791, T>A. VCF-style: chr1-237491791-T-A. GRCh37 (hg19) VCF-style: chr1-237655091-T-A.
Identifiers: ClinVar variation 930574 (VCV000930574.5), dbSNP rs1663379209, ClinGen allele CA1139656651.
Genomic context (GRCh38, chr1:237,491,791, plus strand): 5'-GAAAAAGGAAGACACTGGTCATTGTACACCAATTAATCATGTGTTTTTTTTCCTCTTTCT[T>A]TGTTTTATCTTTAGGCATTCTGGAAGTTTTACACTGTGTTTTAGTAGAAAGTCCAGAAGC-3'